The following is an entry in ClinVar:

NM_007194.4(CHEK2):c.715G>T (p.Glu239Ter)

Gene: CHEK2 (checkpoint kinase 2; minus strand). Cytogenetic location: 22q12.1.
Variant type: single nucleotide variant.
Coding change: c.715G>T on transcript NM_007194.4 (MANE Select); coding-DNA position 715, G replaced by T.
Protein change: p.Glu239Ter; replaces glutamic acid 239 with a stop codon.
Molecular consequence: nonsense.
Genome position (GRCh38, 1-based): chr22:28,711,986, C>A on the plus strand (G>T on the coding strand, the complement: CHEK2 is on the minus strand). VCF-style: chr22-28711986-C-A. GRCh37 (hg19) VCF-style: chr22-29107974-C-A.
Other names: c.844G>T, p.Glu282Ter (NM_001005735.3); c.52G>T, p.Glu18Ter (NM_001257387.3); c.514G>T, p.Glu172Ter (NM_001349956.3); c.715G>T, p.Glu239Ter (NM_145862.3); short protein forms E239*, E18*, E172*, E282*.
Identifiers: ClinVar variation 5599 (VCV000005599.21), dbSNP rs121908702, ClinGen allele CA117642.

ClinVar aggregate classification (germline): Pathogenic. Review status: criteria provided, multiple submitters, no conflicts (2 of 4 stars). 8 submissions from 8 submitters: Pathogenic (7). 1 of the submissions does not count toward it. Last evaluated 2026-01-27.

Conditions:
Colorectal cancer. Also called: Colorectal cancer, somatic; Malignant Colorectal Neoplasm. Identifiers: MedGen C0346629, MONDO:0005575, OMIM 114500.
Hereditary cancer-predisposing syndrome. Also called: Hereditary neoplastic syndrome; Hereditary Cancer Syndrome; Tumor predisposition; Neoplastic Syndromes, Hereditary. Identifiers: Orphanet 140162, MedGen C0027672, MeSH D009386, MONDO:0015356.
Prostate cancer. Also called: Malignant tumor of prostate. Identifiers: Orphanet 1331, MedGen C0376358, MONDO:0008315, HP:0012125.
Familial cancer of breast. Also called: Hereditary breast cancer; hereditary breast carcinoma; BREAST CANCER, FAMILIAL. Identifiers: Orphanet 227535, MedGen C0346153, MONDO:0016419, OMIM 114480. Disease mechanism: loss of function.

Allele frequency attached by ClinVar (database versions not stated): TOPMed 0.00001.
gnomAD v4.1: 7 of 1,613,784 alleles (0.00043%); highest among the groups gnomAD compares: Admixed American, 0.0017%; no homozygotes.

Submissions (8):

Labcorp Genetics (formerly Invitae), Labcorp
Classification: Pathogenic for Familial cancer of breast. Last evaluated: 2026-01-27. Review status: criteria provided, single submitter. Criteria: Invitae Variant Classification Sherloc (09022015). Collection method: clinical testing. Allele origin: germline.
Comment: This sequence change creates a premature translational stop signal (p.Glu239*) in the CHEK2 gene. It is expected to result in an absent or disrupted protein product. Loss-of-function variants in CHEK2 are known to be pathogenic (PMID: 21876083, 24713400). This variant is present in population databases (rs121908702, gnomAD 0.003%). This premature translational stop signal has been observed in individual(s) with sporadic prostate cancer (PMID: 12533788). ClinVar contains an entry for this variant (Variation ID: 5599). For these reasons, this variant has been classified as Pathogenic.

Myriad Genetics, Inc.
Classification: Pathogenic for Familial cancer of breast. Last evaluated: 2023-06-26. Review status: criteria provided, single submitter. Criteria: Myriad Autosomal Dominant, Autosomal Recessive and X-Linked Classification Criteria (2023). Collection method: clinical testing. Allele origin: unknown.
Comment: This variant is considered pathogenic. This variant creates a termination codon and is predicted to result in premature protein truncation.

Baylor Genetics
Classification: Pathogenic for Familial cancer of breast. Last evaluated: 2023-02-26. Review status: criteria provided, single submitter. Criteria: ACMG Guidelines, 2015. Collection method: clinical testing. Allele origin: unknown.

Ambry Genetics
Classification: Pathogenic for Hereditary cancer-predisposing syndrome. Last evaluated: 2022-09-28. Review status: criteria provided, single submitter. Criteria: Ambry Variant Classification Scheme 2023. Collection method: clinical testing. Allele origin: germline.
Comment: The p.E239* pathogenic mutation (also known as c.715G>T), located in coding exon 5 of the CHEK2 gene, results from a G to T substitution at nucleotide position 715. This changes the amino acid from a glutamic acid to a stop codon within coding exon 5. This variant has been reported in a single individual with a sporadic prostate cancer, and was not identified in any of the 423 controls (Dong X, Am. J. Hum. Genet. 2003 Feb; 72(2):270-80). In addition to the clinical data presented in the literature, this alteration is expected to result in loss of function by premature protein truncation or nonsense-mediated mRNA decay. As such, this alteration is interpreted as a disease-causing mutation.

Color Diagnostics, LLC DBA Color Health
Classification: Pathogenic for Hereditary cancer-predisposing syndrome. Last evaluated: 2022-03-04. Review status: criteria provided, single submitter. Criteria: ACMG Guidelines, 2015. Collection method: clinical testing. Allele origin: germline.
Comment: This variant changes 1 nucleotide in exon 6 of the CHEK2 gene, creating a premature translation stop signal. This variant is expected to result in an absent or non-functional protein product. This variant has been reported in an individual affected with prostate cancer (PMID: 12533788). This variant has been identified in 2/251364 chromosomes in the general population by the Genome Aggregation Database (gnomAD). Loss of CHEK2 function is a known mechanism of disease. Based on the available evidence, this variant is classified as Pathogenic.

MGZ Medical Genetics Center
Classification: Pathogenic for Colorectal cancer. Last evaluated: 2021-08-26. Review status: criteria provided, single submitter. Criteria: ACMG Guidelines, 2015. Collection method: clinical testing. Allele origin: germline. Affected: yes. Observed: 1 variant allele.
Comment: ACMG criteria applied: PVS1, PS4_MOD, PM2_SUP

GeneDx
Classification: Pathogenic. Last evaluated: 2020-12-10. Review status: criteria provided, single submitter. Criteria: GeneDx Variant Classification Process June 2021. Collection method: clinical testing. Allele origin: germline. Affected: yes.
Comment: Nonsense variant predicted to result in protein truncation or nonsense mediated decay in a gene for which loss-of-function is a known mechanism of disease; Not observed at a significant frequency in large population cohorts (Lek 2016); Also known as c.844G>T, p.Glu282Ter; Observed in individuals with prostate cancer (Dong 2003); This variant is associated with the following publications: (PMID: 30305041, 12533788, 25525159, 31589614, 32906215)

OMIM
Classification: Pathogenic for TUMOR PREDISPOSITION SYNDROME 4, PROSTATE. Last evaluated: 2003-02-01. Review status: no assertion criteria provided. Collection method: literature only. Allele origin: germline. Not counted in ClinVar's aggregate classification.

Literature cited by the submitters: PubMed 21876083 (cited by Labcorp Genetics (formerly Invitae), Labcorp); PubMed 24713400 (cited by Labcorp Genetics (formerly Invitae), Labcorp); PubMed 12533788 (cited by 4 submitters).